The following is an entry in ClinVar:

NM_005026.5(PIK3CD):c.2873G>A (p.Gly958Asp)

Gene: PIK3CD (phosphatidylinositol-4,5-bisphosphate 3-kinase catalytic subunit delta; plus strand). Cytogenetic location: 1p36.22.
Variant type: single nucleotide variant.
Coding change: c.2873G>A on transcript NM_005026.5 (MANE Select); coding-DNA position 2873, G replaced by A.
Protein change: p.Gly958Asp; replaces glycine 958 with aspartic acid.
Molecular consequence: missense variant.
Genome position (GRCh38, 1-based): chr1:9,724,812, G>A. VCF-style: chr1-9724812-G-A. GRCh37 (hg19) VCF-style: chr1-9784870-G-A.
Other names: NM_005026.5(PIK3CD):c.2873G>A; c.2870G>A, p.Gly957Asp (NM_001350234.2); c.2786G>A, p.Gly929Asp (NM_001350235.1); short protein forms G929D, G957D, G958D.
Identifiers: ClinVar variation 770679 (VCV000770679.46), dbSNP rs142907633, ClinGen allele CA577670.

ClinVar aggregate classification (germline): Likely benign. Review status: reviewed by expert panel (3 of 4 stars). 6 submissions from 6 submitters: Likely benign (1). 5 of the submissions do not count toward it. Last evaluated 2025-12-19.

Conditions:
PIK3CD-related disorder. Also called: PIK3CD-related condition.
Immunodeficiency 14 (IMD14A). Also called: Activated PI3K Delta Syndrome Type 1 (APDS1); IMMUNODEFICIENCY 14A WITH LYMPHOPROLIFERATION, AUTOSOMAL DOMINANT; p110-DELTA-ACTIVATING MUTATION CAUSING SENESCENT T CELLS, LYMPHADENOPATHY, AND IMMUNODEFICIENCY; ACTIVATED PI3K-DELTA SYNDROME 1. Identifiers: Orphanet 397596, Orphanet 693661, MedGen C5907821, MONDO:0014222, OMIM 615513.

Allele frequency attached by ClinVar (database versions not stated): ESP Exome Variant Server 0.00038; ExAC 0.00054; gnomAD exomes 0.00056 and 0.00131; TOPMed 0.00058; gnomAD 0.00059 and 0.00063.
gnomAD v4.1: 2,006 of 1,613,022 alleles (0.12%); highest among the groups gnomAD compares: Non-Finnish European, 0.16%; 1 homozygote.

Submissions (6):

ClinGen Primary Immune Regulatory Disorders Variant Curation Expert Panel, ClinGen
Classification: Likely benign for Immunodeficiency 14. Last evaluated: 2025-12-19. Review status: reviewed by expert panel. Criteria: ClinGen AbDef ACMG Specifications PIK3CD V1.0.0. Collection method: curation. Allele origin: germline. Inheritance: Autosomal dominant inheritance.
Comment: NM_005026.5(PIK3CD):c.2873G>A (p.Gly958Asp) is a missense variant that causes substitution of glycine by aspartic acid at amino acid 958. This variant is present in gnomAD v.4.1.0 at a GrpMax allele frequency of 0.001522, with 1,867 alleles / 1,180,048 total alleles in the European (non-Finnish) population, which is higher than the ClinGen Antibody Deficiencies VCEP BS1 threshold of >0.000316 (BS1). The computational predictor REVEL gives a score of 0.204, which is below the ClinGen Antibody Deficiencies VCEP threshold of <0.290 and predicts a non-damaging effect on PIK3CD function. The computational predictor CADD gives a PHRED score of 19.46, which is below the ClinGen Antibody Deficiencies VCEP threshold of <22.7 and predicts a non-deleterious effect on PIK3CD function. The two predictors agree on a non-damaging effect (BP4). In summary, this variant meets the criteria to be classified as likely benign for autosomal dominant immunodeficiency 14 based on the ACMG/AMP criteria applied, as specified by the ClinGen Antibody Deficiencies VCEP: BS1 and BP4. (VCEP specifications version 1.0.0).

Labcorp Genetics (formerly Invitae), Labcorp
Classification: Likely benign for Activated PI3K-delta syndrome. Last evaluated: 2026-01-12. Review status: criteria provided, single submitter. Criteria: Invitae Variant Classification Sherloc (09022015). Collection method: clinical testing. Allele origin: germline. Not counted in ClinVar's aggregate classification.

CeGaT Center for Human Genetics Tuebingen
Classification: Uncertain significance. Last evaluated: 2025-09-01. Review status: criteria provided, single submitter. Criteria: CeGaT Center For Human Genetics Tuebingen Variant Classification Criteria Version 2. Collection method: clinical testing. Allele origin: germline. Affected: yes. Observed: 3 variant alleles. Not counted in ClinVar's aggregate classification.
Comment: PIK3CD: PP2

PreventionGenetics, part of Exact Sciences
Classification: Likely benign for PIK3CD-related condition. Last evaluated: 2025-02-06. Review status: criteria provided, single submitter. Criteria: ACMG Guidelines, 2015. Collection method: clinical testing. Allele origin: germline. Not counted in ClinVar's aggregate classification.
Comment: This variant is classified as likely benign based on ACMG/AMP sequence variant interpretation guidelines (Richards et al. 2015 PMID: 25741868, with internal and published modifications).

Blueprint Genetics
Classification: Likely benign. Last evaluated: 2024-11-18. Review status: criteria provided, single submitter. Criteria: ACMG Guidelines, 2015. Collection method: clinical testing. Allele origin: germline. Not counted in ClinVar's aggregate classification.

Mayo Clinic Laboratories, Mayo Clinic
Classification: Uncertain significance. Last evaluated: 2020-02-26. Review status: criteria provided, single submitter. Criteria: ACMG Guidelines, 2015. Collection method: clinical testing. Allele origin: germline. Observed: 1 variant allele. Not counted in ClinVar's aggregate classification.